The following is an entry in ClinVar:

ClinVar aggregate classification (germline): Uncertain significance (1 of 4 stars; one submission).

gnomAD v4.1: 10 of 1,614,102 alleles (0.00062%); highest among the groups gnomAD compares: Non-Finnish European, 0.00076%; no homozygotes.

Submission:

Labcorp Genetics (formerly Invitae), Labcorp
Classification: Uncertain significance. Last evaluated: 2022-08-16. Review status: criteria provided, single submitter. Criteria: Invitae Variant Classification Sherloc (09022015). Collection method: clinical testing. Allele origin: germline.
Comment: This sequence change falls in intron 7 of the ADAMTSL4 gene. It does not directly change the encoded amino acid sequence of the ADAMTSL4 protein. It affects a nucleotide within the consensus splice site. This variant is present in population databases (no rsID available, gnomAD 0.002%). This variant has not been reported in the literature in individuals affected with ADAMTSL4-related conditions. Variants that disrupt the consensus splice site are a relatively common cause of aberrant splicing (PMID: 17576681, 9536098). Algorithms developed to predict the effect of sequence changes on RNA splicing suggest that this variant is not likely to affect RNA splicing. In summary, the available evidence is currently insufficient to determine the role of this variant in disease. Therefore, it has been classified as a Variant of Uncertain Significance.

Literature cited by the submitters: PubMed 17576681; PubMed 9536098.

NM_019032.6(ADAMTSL4):c.1234+6G>C

Genes: ADAMTSL4 (ADAMTS like 4; plus strand), ADAMTSL4-AS2 (ADAMTSL4 antisense RNA 2; minus strand). Cytogenetic location: 1q21.2.
Variant type: single nucleotide variant.
Coding change: c.1234+6G>C on transcript NM_019032.6 (MANE Select); 6 bases into the intron after coding-DNA position 1234, G replaced by C.
Molecular consequence: intron variant.
Genome position (GRCh38, 1-based): chr1:150,554,473, G>C. VCF-style: chr1-150554473-G-C. GRCh37 (hg19) VCF-style: chr1-150526949-G-C.
Other names: c.1234+6G>C (NM_001288608.2, NM_001288607.2, NM_001378596.1 and 1 more transcripts).
Identifiers: ClinVar variation 1931070 (VCV001931070.2), dbSNP rs1242303221, ClinGen allele CA526261026.